The following is an entry in ClinVar:

NM_004168.4(SDHA):c.483C>G (p.Ser161Arg)

Gene: SDHA (succinate dehydrogenase complex flavoprotein subunit A; plus strand). Cytogenetic location: 5p15.33.
Variant type: single nucleotide variant.
Coding change: c.483C>G on transcript NM_004168.4 (MANE Select); coding-DNA position 483, C replaced by G.
Protein change: p.Ser161Arg; replaces serine 161 with arginine.
Molecular consequence: missense variant.
Genome position (GRCh38, 1-based): chr5:225,909, C>G. VCF-style: chr5-225909-C-G. GRCh37 (hg19) VCF-style: chr5-226024-C-G.
Other names: c.339C>G, p.Ser113Arg (NM_001294332.2); c.483C>G, p.Ser161Arg (NM_001330758.2); short protein forms S113R, S161R.
Identifiers: ClinVar variation 2952309 (VCV002952309.3), dbSNP rs2126549418, ClinGen allele CA359009941.

ClinVar aggregate classification (germline): Uncertain significance (1 of 4 stars; one submission).

Conditions:
Mitochondrial complex II deficiency, nuclear type 1. Also called: SUCCINATE CoQ REDUCTASE DEFICIENCY. Identifiers: Orphanet 3208, MedGen C5700310, MONDO:0100294, OMIM 252011.
Pheochromocytoma/paraganglioma syndrome 5. Also called: Paragangliomas 5; SDHA-Related Hereditary Paraganglioma-Pheochromocytoma Syndrome. Identifiers: Orphanet 29072, MedGen C3279992, MONDO:0013602, OMIM 614165.

Submission:

Labcorp Genetics (formerly Invitae), Labcorp
Classification: Uncertain significance for Pheochromocytoma/paraganglioma syndrome 5; Mitochondrial complex II deficiency, nuclear type 1. Last evaluated: 2023-09-27. Review status: criteria provided, single submitter. Criteria: Invitae Variant Classification Sherloc (09022015). Collection method: clinical testing. Allele origin: germline.
Comment: This sequence change replaces serine, which is neutral and polar, with arginine, which is basic and polar, at codon 161 of the SDHA protein (p.Ser161Arg). This variant is not present in population databases (gnomAD no frequency). This variant has not been reported in the literature in individuals affected with SDHA-related conditions. Advanced modeling of protein sequence and biophysical properties (such as structural, functional, and spatial information, amino acid conservation, physicochemical variation, residue mobility, and thermodynamic stability) has been performed at Invitae for this missense variant, however the output from this modeling did not meet the statistical confidence thresholds required to predict the impact of this variant on SDHA protein function. In summary, the available evidence is currently insufficient to determine the role of this variant in disease. Therefore, it has been classified as a Variant of Uncertain Significance.